The following is an entry in ClinVar:

ClinVar aggregate classification (germline): Benign/Likely benign. Review status: criteria provided, multiple submitters, no conflicts (2 of 4 stars). 4 submissions from 4 submitters: Benign (1); Likely benign (3). Last evaluated 2025-06-27.

Conditions:
Tuberous sclerosis 2 (TSC2). Identifiers: Orphanet 805, MedGen C1860707, MONDO:0013199, OMIM 613254.
Hereditary cancer-predisposing syndrome. Also called: Hereditary neoplastic syndrome; Hereditary Cancer Syndrome; Neoplastic Syndromes, Hereditary; Tumor predisposition. Identifiers: Orphanet 140162, MedGen C0027672, MeSH D009386, MONDO:0015356.
Tuberous sclerosis syndrome (TSC). Also called: Tuberous Sclerosis Complex; Tuberous sclerosis. Identifiers: Orphanet 805, MedGen C0041341, MONDO:0001734.

Allele frequency attached by ClinVar (database versions not stated): gnomAD 0.00001; TOPMed 0.00001.
gnomAD v4.1: 2 of 1,612,484 alleles (0.00012%); highest among the groups gnomAD compares: African/African-American, 0.0027%; no homozygotes.

Submissions (4):

Ambry Genetics
Classification: Likely benign for Hereditary cancer-predisposing syndrome. Last evaluated: 2025-06-27. Review status: criteria provided, single submitter. Criteria: Ambry Variant Classification Scheme 2023. Collection method: clinical testing. Allele origin: germline.

Myriad Genetics, Inc.
Classification: Benign for Tuberous sclerosis 2. Last evaluated: 2025-05-30. Review status: criteria provided, single submitter. Criteria: Myriad Autosomal Dominant, Autosomal Recessive and X-Linked Classification Criteria (2023). Collection method: clinical testing. Allele origin: unknown.
Comment: This variant is considered benign. This variant is a silent/synonymous amino acid change and it is not expected to impact splicing.

Labcorp Genetics (formerly Invitae), Labcorp
Classification: Likely benign for Tuberous sclerosis 2. Last evaluated: 2023-09-03. Review status: criteria provided, single submitter. Criteria: Invitae Variant Classification Sherloc (09022015). Collection method: clinical testing. Allele origin: germline.

Color Diagnostics, LLC DBA Color Health
Classification: Likely benign for Tuberous sclerosis syndrome. Last evaluated: 2022-10-03. Review status: criteria provided, single submitter. Criteria: ACMG Guidelines, 2015. Collection method: clinical testing. Allele origin: germline.

NM_000548.5(TSC2):c.3819C>T (p.Ala1273=)

Gene: TSC2 (TSC complex subunit 2; plus strand). Cytogenetic location: 16p13.3.
Variant type: single nucleotide variant.
Coding change: c.3819C>T on transcript NM_000548.5 (MANE Select); coding-DNA position 3819, C replaced by T.
Protein change: p.Ala1273=; no amino-acid change (alanine 1273 retained).
Molecular consequence: synonymous variant. On other transcripts: intron variant (33), non-coding transcript variant (1).
Genome position (GRCh38, 1-based): chr16:2,082,440, C>T. VCF-style: chr16-2082440-C-T. GRCh37 (hg19) VCF-style: chr16-2132441-C-T.
Other names: c.3223+642C>T (NM_001406681.1); c.3703+642C>T (NM_001406670.1); c.3574+642C>T (NM_001318827.2); c.3571+642C>T (NM_001406678.1); c.3214+642C>T (NM_001406682.1, NM_001406683.1); c.3211+642C>T (NM_001406684.1); c.3085+642C>T (NM_001406685.1, NM_001406686.1); c.3082+642C>T (NM_001406688.1, NM_001406687.1); and 25 more.
Identifiers: ClinVar variation 2741819 (VCV002741819.6), dbSNP rs1248167345, ClinGen allele CA492955726.